The following is an entry in ClinVar:

NM_001273.5(CHD4):c.5152G>C (p.Ala1718Pro)

Genes: CHD4 (chromodomain helicase DNA binding protein 4; minus strand), CHD4-AS1 (CHD4 antisense RNA 1; plus strand). Cytogenetic location: 12p13.31.
Variant type: single nucleotide variant.
Coding change: c.5152G>C on transcript NM_001273.5 (MANE Select); coding-DNA position 5152, G replaced by C.
Protein change: p.Ala1718Pro; replaces alanine 1718 with proline.
Molecular consequence: missense variant.
Genome position (GRCh38, 1-based): chr12:6,578,105, C>G on the plus strand (G>C on the coding strand, the complement: CHD4 is on the minus strand). VCF-style: chr12-6578105-C-G. GRCh37 (hg19) VCF-style: chr12-6687271-C-G.
Other names: c.5131G>C, p.Ala1711Pro (NM_001297553.2); c.5119G>C, p.Ala1707Pro (NM_001363606.2); short protein forms A1707P, A1711P, A1718P.
Identifiers: ClinVar variation 3765934 (VCV003765934.1).

ClinVar aggregate classification (germline): Uncertain significance (1 of 4 stars; one submission).

Submission:

GeneDx
Classification: Uncertain significance. Last evaluated: 2024-08-28. Review status: criteria provided, single submitter. Criteria: GeneDx Variant Classification Process June 2021. Collection method: clinical testing. Allele origin: germline. Affected: yes.
Comment: In silico analysis supports that this missense variant has a deleterious effect on protein structure/function; Has not been previously published as pathogenic or benign to our knowledge